The following is an entry in ClinVar:

ClinVar aggregate classification (germline): Uncertain significance (1 of 4 stars; one submission).

Submission:

Labcorp Genetics (formerly Invitae), Labcorp
Classification: Uncertain significance. Last evaluated: 2022-10-25. Review status: criteria provided, single submitter. Criteria: Invitae Variant Classification Sherloc (09022015). Collection method: clinical testing. Allele origin: germline.
Comment: This variant is not present in population databases (gnomAD no frequency). This variant has not been reported in the literature in individuals affected with RUNX2-related conditions. Variants that disrupt the consensus splice site are a relatively common cause of aberrant splicing (PMID: 17576681, 9536098). Algorithms developed to predict the effect of sequence changes on RNA splicing suggest that this variant may disrupt the consensus splice site. In summary, the available evidence is currently insufficient to determine the role of this variant in disease. Therefore, it has been classified as a Variant of Uncertain Significance. This sequence change falls in intron 6 of the RUNX2 gene. It does not directly change the encoded amino acid sequence of the RUNX2 protein. It affects a nucleotide within the consensus splice site.

Literature cited by the submitters: PubMed 17576681; PubMed 9536098.

NM_001024630.4(RUNX2):c.859+4A>G

Gene: RUNX2 (RUNX family transcription factor 2; plus strand). Cytogenetic location: 6p21.1.
Variant type: single nucleotide variant.
Coding change: c.859+4A>G on transcript NM_001024630.4 (MANE Select); 4 bases into the intron after coding-DNA position 859, A replaced by G.
Molecular consequence: intron variant.
Genome position (GRCh38, 1-based): chr6:45,492,118, A>G. VCF-style: chr6-45492118-A-G. GRCh37 (hg19) VCF-style: chr6-45459855-A-G.
Other names: c.859+4A>G (NM_001015051.4); c.817+4A>G (NM_001369405.1, NM_001278478.2).
Identifiers: ClinVar variation 2045651 (VCV002045651.4), dbSNP rs2548635920, ClinGen allele CA2580074684.